The following is an entry in ClinVar:

NM_002861.5(PCYT2):c.545G>A (p.Gly182Asp)

Gene: PCYT2 (phosphate cytidylyltransferase 2, ethanolamine; minus strand). Cytogenetic location: 17q25.3.
Variant type: single nucleotide variant.
Coding change: c.545G>A on transcript NM_002861.5 (MANE Select); coding-DNA position 545, G replaced by A.
Protein change: p.Gly182Asp; replaces glycine 182 with aspartic acid.
Molecular consequence: missense variant.
Genome position (GRCh38, 1-based): chr17:81,906,891, C>T on the plus strand (G>A on the coding strand, the complement: PCYT2 is on the minus strand). VCF-style: chr17-81906891-C-T. GRCh37 (hg19) VCF-style: chr17-79864767-C-T.
Other names: c.599G>A, p.Gly200Asp (NM_001184917.3); c.383G>A, p.Gly128Asp (NM_001256433.3); c.422G>A, p.Gly141Asp (NM_001256434.3); c.311G>A, p.Gly104Asp (NM_001256435.3, NM_001282203.2); c.449G>A, p.Gly150Asp (NM_001282204.2); c.545G>A, p.Gly182Asp (NM_001330518.2); short protein forms G104D, G128D, G141D, G150D, G182D, G200D.
Identifiers: ClinVar variation 3770546 (VCV003770546.13).

ClinVar aggregate classification (germline): Likely benign (1 of 4 stars; one submission).

Submission:

CeGaT Center for Human Genetics Tuebingen
Classification: Likely benign. Last evaluated: 2025-03-01. Review status: criteria provided, single submitter. Criteria: CeGaT Center For Human Genetics Tuebingen Variant Classification Criteria Version 2. Collection method: clinical testing. Allele origin: germline. Affected: yes. Observed: 2 variant alleles.
Comment: PCYT2: BP4